The following is an entry in ClinVar:

ClinVar aggregate classification (germline): Uncertain significance. Review status: criteria provided, multiple submitters, no conflicts (2 of 4 stars). 2 submissions from 2 submitters: Uncertain significance (2). Last evaluated 2025-05-21.

Conditions:
Lethal congenital glycogen storage disease of heart. Also called: PHOSPHORYLASE KINASE DEFICIENCY OF HEART; GLYCOGEN STORAGE DISEASE OF HEART. Identifiers: Orphanet 439854, MedGen C1849813, MONDO:0009867, OMIM 261740.

Submissions (2):

GeneDx
Classification: Uncertain significance. Last evaluated: 2025-05-21. Review status: criteria provided, single submitter. Criteria: GeneDx Variant Classification Process June 2021. Collection method: clinical testing. Allele origin: germline. Affected: yes.
Comment: Not observed at significant frequency in large population cohorts (gnomAD); In silico analysis supports that this missense variant has a deleterious effect on protein structure/function; In silico analysis supports a deleterious effect on splicing; Has not been previously published as pathogenic or benign to our knowledge

Labcorp Genetics (formerly Invitae), Labcorp
Classification: Uncertain significance for Lethal congenital glycogen storage disease of heart. Last evaluated: 2024-07-04. Review status: criteria provided, single submitter. Criteria: Invitae Variant Classification Sherloc (09022015). Collection method: clinical testing. Allele origin: germline.
Comment: This sequence change replaces glycine, which is neutral and non-polar, with arginine, which is basic and polar, at codon 467 of the PRKAG2 protein (p.Gly467Arg). This variant also falls at the last nucleotide of exon 12, which is part of the consensus splice site for this exon. This variant is not present in population databases (gnomAD no frequency). This variant has not been reported in the literature in individuals affected with PRKAG2-related conditions. An algorithm developed to predict the effect of missense changes on protein structure and function (PolyPhen-2) suggests that this variant is likely to be disruptive. Variants that disrupt the consensus splice site are a relatively common cause of aberrant splicing (PMID: 17576681, 9536098). Algorithms developed to predict the effect of sequence changes on RNA splicing suggest that this variant may disrupt the consensus splice site. In summary, the available evidence is currently insufficient to determine the role of this variant in disease. Therefore, it has been classified as a Variant of Uncertain Significance.

Literature cited by the submitters: PubMed 17576681 (cited by Labcorp Genetics (formerly Invitae), Labcorp); PubMed 9536098 (cited by Labcorp Genetics (formerly Invitae), Labcorp).

NM_016203.4(PRKAG2):c.1399G>C (p.Gly467Arg)

Gene: PRKAG2 (protein kinase AMP-activated non-catalytic subunit gamma 2; minus strand). Cytogenetic location: 7q36.1.
Variant type: single nucleotide variant.
Coding change: c.1399G>C on transcript NM_016203.4 (MANE Select); coding-DNA position 1399, G replaced by C.
Protein change: p.Gly467Arg; replaces glycine 467 with arginine.
Molecular consequence: missense variant.
Genome position (GRCh38, 1-based): chr7:151,565,720, C>G on the plus strand (G>C on the coding strand, the complement: PRKAG2 is on the minus strand). VCF-style: chr7-151565720-C-G. GRCh37 (hg19) VCF-style: chr7-151262806-C-G.
Other names: c.1267G>C, p.Gly423Arg (NM_001040633.2, NM_001407024.1); c.1024G>C, p.Gly342Arg (NM_001304527.2, NM_001407029.1); c.676G>C, p.Gly226Arg (NM_001304531.2, NM_001407034.1, NM_001407035.1 and 1 more transcripts); c.1027G>C, p.Gly343Arg (NM_001363698.2, NM_001407028.1); c.1399G>C, p.Gly467Arg (NM_001407021.1); c.1396G>C, p.Gly466Arg (NM_001407022.1, NM_001407023.1); c.1264G>C, p.Gly422Arg (NM_001407026.1, NM_001407027.1); c.1111G>C, p.Gly371Arg (NM_001407030.1); and 7 more; short protein forms G246R, G343R, G371R, G423R, G466R, G225R, G226R, G242R.
Identifiers: ClinVar variation 3658777 (VCV003658777.3).
Genomic context (GRCh38, chr7:151,565,720, plus strand): 5'-ACAATAATTGCACCCTGAGATAAACAATTATTTCTGCCTGTCAGCGCCAAACACACAAAC[C>G]TGACTCATCCACAACAGGCAGAGCTGATATTCGTCTTTCCACAAATATGTTCAAGGCTTT-3'
Protein context (NP_057287.2, residues 457-477): ISALPVVDES[Gly467Arg]KVVDIYSKFD